The following is an entry in ClinVar:

NM_022437.3(ABCG8):c.21G>C (p.Glu7Asp)

Genes: ABCG5 (ATP binding cassette subfamily G member 5; minus strand), ABCG8 (ATP binding cassette subfamily G member 8; plus strand). Cytogenetic location: 2p21.
Variant type: single nucleotide variant.
Coding change: c.21G>C on transcript NM_022437.3 (MANE Select); coding-DNA position 21, G replaced by C.
Protein change: p.Glu7Asp; replaces glutamic acid 7 with aspartic acid.
Molecular consequence: missense variant.
Genome position (GRCh38, 1-based): chr2:43,839,074, G>C. VCF-style: chr2-43839074-G-C. GRCh37 (hg19) VCF-style: chr2-44066213-G-C.
Other names: p.Glu7Asp; c.21G>C (NM_022437.2); c.21G>C, p.Glu7Asp (NM_001357321.2); short protein forms E7D.
Identifiers: ClinVar variation 594314 (VCV000594314.10), dbSNP rs771255227, ClinGen allele CA1636853.

ClinVar aggregate classification (germline): Uncertain significance. Review status: criteria provided, multiple submitters, no conflicts (2 of 4 stars). 4 submissions from 4 submitters: Uncertain significance (4). Last evaluated 2025-12-11.

Conditions:
Cardiovascular phenotype. Identifiers: MedGen CN230736.

Allele frequency attached by ClinVar (database versions not stated): gnomAD below 0.00001 and 0.00002; TOPMed below 0.00001; 1000 Genomes Project 30x 0.00031.
gnomAD v4.1: 33 of 1,551,208 alleles (0.0021%); highest among the groups gnomAD compares: South Asian, 0.035%; no homozygotes.

Submissions (4):

Ambry Genetics
Classification: Uncertain significance for Cardiovascular phenotype. Last evaluated: 2025-12-11. Review status: criteria provided, single submitter. Criteria: Ambry Variant Classification Scheme 2023. Collection method: clinical testing. Allele origin: germline.

Mayo Clinic Laboratories, Mayo Clinic
Classification: Uncertain significance. Last evaluated: 2024-12-24. Review status: criteria provided, single submitter. Criteria: ACMG Guidelines, 2015. Collection method: clinical testing. Allele origin: germline. Observed: 1 variant allele.
Comment: BP4_moderate

Labcorp Genetics (formerly Invitae), Labcorp
Classification: Uncertain significance. Last evaluated: 2022-05-24. Review status: criteria provided, single submitter. Criteria: Invitae Variant Classification Sherloc (09022015). Collection method: clinical testing. Allele origin: germline.
Comment: This sequence change replaces glutamic acid, which is acidic and polar, with aspartic acid, which is acidic and polar, at codon 7 of the ABCG8 protein (p.Glu7Asp). This variant is present in population databases (rs771255227, gnomAD 0.02%). In summary, the available evidence is currently insufficient to determine the role of this variant in disease. Therefore, it has been classified as a Variant of Uncertain Significance. Algorithms developed to predict the effect of missense changes on protein structure and function (SIFT, PolyPhen-2, Align-GVGD) all suggest that this variant is likely to be tolerated. ClinVar contains an entry for this variant (Variation ID: 594314). This variant has not been reported in the literature in individuals affected with ABCG8-related conditions.

Eurofins Ntd Llc (ga)
Classification: Uncertain significance. Last evaluated: 2017-10-03. Review status: criteria provided, single submitter. Criteria: EGL Classification Definitions 2015. Collection method: clinical testing. Allele origin: germline. Observed: 1 variant allele, 1 heterozygote.